The following is an entry in ClinVar:

NM_017491.5(WDR1):c.553A>G (p.Ile185Val)

Gene: WDR1 (WD repeat domain 1; minus strand). Cytogenetic location: 4p16.1.
Variant type: single nucleotide variant.
Coding change: c.553A>G on transcript NM_017491.5 (MANE Select); coding-DNA position 553, A replaced by G.
Protein change: p.Ile185Val; replaces isoleucine 185 with valine.
Molecular consequence: missense variant. On other transcripts: intron variant (1).
Genome position (GRCh38, 1-based): chr4:10,097,716, T>C on the plus strand (A>G on the coding strand, the complement: WDR1 is on the minus strand). VCF-style: chr4-10097716-T-C. GRCh37 (hg19) VCF-style: chr4-10099340-T-C.
Other names: p.Ile185Val; c.139-8975A>G (NM_005112.5); short protein forms I185V.
Identifiers: ClinVar variation 1168074 (VCV001168074.12), dbSNP rs13441, ClinGen allele CA2858026.

ClinVar aggregate classification (germline): Benign/Likely benign. Review status: criteria provided, multiple submitters, no conflicts (2 of 4 stars). 5 submissions from 5 submitters: Benign (4); Likely benign (1). Last evaluated 2026-02-04.

Allele frequency attached by ClinVar (database versions not stated): 1000 Genomes Project 30x 0.57136; 1000 Genomes Project 0.57528; gnomAD 0.62306 and 0.62382; ESP Exome Variant Server 0.62332; TOPMed 0.62334; ExAC 0.64919; gnomAD exomes 0.65708 and 0.67647.
gnomAD v4.1: 1,079,819 of 1,607,584 alleles (67%); highest among the groups gnomAD compares: Middle Eastern, 73%; 366,568 homozygotes.

Submissions (5):

Labcorp Genetics (formerly Invitae), Labcorp
Classification: Benign. Last evaluated: 2026-02-04. Review status: criteria provided, single submitter. Criteria: Invitae Variant Classification Sherloc (09022015). Collection method: clinical testing. Allele origin: germline.

Blueprint Genetics
Classification: Likely benign. Last evaluated: 2024-11-26. Review status: criteria provided, single submitter. Criteria: ACMG Guidelines, 2015. Collection method: clinical testing. Allele origin: germline.

Unidad de Genómica Garrahan, Hospital de Pediatría Garrahan
Classification: Benign. Last evaluated: 2024-01-24. Review status: criteria provided, single submitter. Criteria: ACMG Guidelines, 2015. Collection method: clinical testing. Allele origin: germline. Affected: no. Observed: 91 variant alleles.
Comment: This variant is classified as Benign based on local population frequency. This variant was detected in 96% of patients studied by a panel of primary immunodeficiencies. Number of patients: 91. Only high quality variants are reported.

Mayo Clinic Laboratories, Mayo Clinic
Classification: Benign. Last evaluated: 2022-09-06. Review status: criteria provided, single submitter. Criteria: ACMG Guidelines, 2015. Collection method: clinical testing. Allele origin: germline. Observed: 456 variant alleles.

Breakthrough Genomics
Classification: Benign. Review status: criteria provided, single submitter. Criteria: ACMG Guidelines, 2015. Collection method: not provided. Allele origin: germline. Inheritance: Autosomal recessive inheritance. Affected: yes.